The following is an entry in ClinVar:

ClinVar aggregate classification (germline): Pathogenic (1 of 4 stars; one submission).

Conditions:
Retinitis pigmentosa 73 (RP73). Identifiers: Orphanet 791, MedGen C4225287, MONDO:0014687, OMIM 616544.
Mucopolysaccharidosis, MPS-III-C (MPS3C). Also called: SANFILIPPO SYNDROME C; MPS III C; Mucopolysaccharidosis type IIIC (Sanfilippo C); MUCOPOLYSACCHARIDOSIS, TYPE IIIC; mucopolysaccharidosis type 3C; MPS IIIC (Sanfilippo Syndrome Type C). Identifiers: Orphanet 581, Orphanet 79271, MedGen C0086649, MONDO:0009657, OMIM 252930.

Submission:

Labcorp Genetics (formerly Invitae), Labcorp
Classification: Pathogenic for Retinitis pigmentosa 73; Mucopolysaccharidosis, MPS-III-C. Last evaluated: 2022-06-17. Review status: criteria provided, single submitter. Criteria: Invitae Variant Classification Sherloc (09022015). Collection method: clinical testing. Allele origin: germline.
Comment: For these reasons, this variant has been classified as Pathogenic. This variant has not been reported in the literature in individuals affected with HGSNAT-related conditions. This variant is not present in population databases (gnomAD no frequency). This sequence change creates a premature translational stop signal (p.Ala4Argfs*15) in the HGSNAT gene. It is expected to result in an absent or disrupted protein product. Loss-of-function variants in HGSNAT are known to be pathogenic (PMID: 17033958, 19479962).

Literature cited by the submitters: PubMed 17033958; PubMed 19479962.

NM_152419.3(HGSNAT):c.10del (p.Ala4fs)

Genes: HGSNAT (heparan-alpha-glucosaminide N-acetyltransferase; plus strand), LOC130000316 (ATAC-STARR-seq lymphoblastoid silent region 19164; plus strand). Cytogenetic location: 8p11.21.
Variant type: Deletion.
Coding change: c.10del on transcript NM_152419.3 (MANE Select); coding-DNA position 10, one base deleted (G; older notation c.10delG).
Protein change: p.Ala4fs; shifts the reading frame from alanine 4.
Molecular consequence: frameshift variant. On other transcripts: 5 prime UTR variant (1).
Genome position (GRCh38, 1-based): chr8:43,140,506, G deleted; the last of 4 consecutive G bases (chr8:43,140,503-43,140,506); deleting any one gives the same sequence. VCF-style (leftmost placement, unchanged base first): chr8-43140502-CG-C. GRCh37 (hg19) VCF-style: chr8-42995645-CG-C.
Other names: c.10del, p.Ala4fs (NM_001363227.2, NM_001363228.2); c.-824del (NM_001363229.2); short protein forms A4fs.
Identifiers: ClinVar variation 2007566 (VCV002007566.4), dbSNP rs2486806807, ClinGen allele CA2579158865.